The following is an entry in ClinVar:

ClinVar aggregate classification (germline): Uncertain significance (0 of 4 stars; one submission).

Conditions:
MASP1-related disorder. Also called: MASP1-related condition.

Allele frequency attached by ClinVar (database versions not stated): ExAC 0.00005; gnomAD 0.00003.
gnomAD v4.1: 19 of 1,612,510 alleles (0.0012%); highest among the groups gnomAD compares: Admixed American, 0.032%; 1 homozygote.

Submission:

PreventionGenetics, part of Exact Sciences
Classification: Uncertain significance for MASP1-related condition. Last evaluated: 2023-12-15. Review status: no assertion criteria provided. Collection method: clinical testing. Allele origin: germline.
Comment: The MASP1 c.1909+2T>A variant is predicted to disrupt the GT donor site and interfere with normal splicing. To our knowledge, this variant has not been reported in the literature. This variant is reported in 0.038% of alleles in individuals of Latino descent in gnomAD. Although we suspect that this variant may be pathogenic, at this time, the clinical significance of this variant is uncertain due to the absence of conclusive functional and genetic evidence.

NM_001879.6(MASP1):c.1909+2T>A

Gene: MASP1 (MBL associated serine protease 1; minus strand). Cytogenetic location: 3q27.3.
Variant type: single nucleotide variant.
Coding change: c.1909+2T>A on transcript NM_001879.6 (MANE Plus Clinical); the canonical splice donor site of the intron after coding-DNA position 1909, T replaced by A.
Molecular consequence: splice donor variant.
Genome position (GRCh38, 1-based): chr3:187,221,033, A>T on the plus strand (T>A on the coding strand, the complement: MASP1 is on the minus strand). VCF-style: chr3-187221033-A-T. GRCh37 (hg19) VCF-style: chr3-186938821-A-T.
Identifiers: ClinVar variation 3054844 (VCV003054844.2), dbSNP rs767834819, ClinGen allele CA2748743.